The following is an entry in ClinVar:

ClinVar aggregate classification (germline): Uncertain significance (1 of 4 stars; one submission).

Conditions:
Hereditary cancer-predisposing syndrome. Also called: Tumor predisposition; Neoplastic Syndromes, Hereditary; Hereditary Cancer Syndrome; Hereditary neoplastic syndrome. Identifiers: Orphanet 140162, MedGen C0027672, MeSH D009386, MONDO:0015356.

Submission:

Ambry Genetics
Classification: Uncertain significance for Hereditary cancer-predisposing syndrome. Last evaluated: 2024-10-04. Review status: criteria provided, single submitter. Criteria: Ambry Variant Classification Scheme 2023. Collection method: clinical testing. Allele origin: germline.
Comment: The p.Q354R variant (also known as c.1061A>G), located in coding exon 6 of the FLCN gene, results from an A to G substitution at nucleotide position 1061. The glutamine at codon 354 is replaced by arginine, an amino acid with highly similar properties. This amino acid position is conserved. In addition, the in silico prediction for this alteration is inconclusive. Based on the available evidence, the clinical significance of this variant remains unclear.

NM_144997.7(FLCN):c.1061A>G (p.Gln354Arg)

Gene: FLCN (folliculin; minus strand). Cytogenetic location: 17p11.2.
Variant type: single nucleotide variant.
Coding change: c.1061A>G on transcript NM_144997.7 (MANE Select); coding-DNA position 1061, A replaced by G.
Protein change: p.Gln354Arg; replaces glutamine 354 with arginine.
Molecular consequence: missense variant.
Genome position (GRCh38, 1-based): chr17:17,219,020, T>C on the plus strand (A>G on the coding strand, the complement: FLCN is on the minus strand). VCF-style: chr17-17219020-T-C. GRCh37 (hg19) VCF-style: chr17-17122334-T-C.
Other names: c.1115A>G, p.Gln372Arg (NM_001353229.2); c.1061A>G, p.Gln354Arg (NM_001353230.2, NM_001353231.2); short protein forms Q354R, Q372R.
Identifiers: ClinVar variation 3515652 (VCV003515652.1).
Genomic context (GRCh38, chr17:17,219,020, plus strand): 5'-GACAGCCCATGACTGGCTCTCCTCCTGAGCTCCTGATGCGCTGTGCCCCTGCCGCCTACC[T>C]GCCTCATGTGCCGGAGGGACTTGAAGACTGGCAGCTTCCGGGGCTGCCAGCTCCCACAGC-3'
Protein context (NP_659434.2, residues 344-364): PVFKSLRHMR[Gln354Arg]VLGAPSFRML